The following is an entry in ClinVar:

NM_001040142.2(SCN2A):c.1901T>C (p.Val634Ala)

Gene: SCN2A (sodium voltage-gated channel alpha subunit 2; plus strand). Cytogenetic location: 2q24.3.
Variant type: single nucleotide variant.
Coding change: c.1901T>C on transcript NM_001040142.2 (MANE Select); coding-DNA position 1901, T replaced by C.
Protein change: p.Val634Ala; replaces valine 634 with alanine.
Molecular consequence: missense variant.
Genome position (GRCh38, 1-based): chr2:165,323,385, T>C. VCF-style: chr2-165323385-T-C. GRCh37 (hg19) VCF-style: chr2-166179895-T-C.
Other names: p.V634A:GTG>GCG; c.1901T>C, p.Val634Ala (NM_001040143.2, NM_001371246.1, NM_001371247.1 and 1 more transcripts); short protein forms V634A.
Identifiers: ClinVar variation 207066 (VCV000207066.10), dbSNP rs756119996, ClinGen allele CA318150.
Genomic context (GRCh38, chr2:165,323,385, plus strand): 5'-CGCACAGACATGGAGAACGGCGCCACAGCAATGTCAGCCAGGCCAGCCGTGCCTCCAGGG[T>C]GCTCCCCATCCTGCCCATGAATGGGAAGATGCATAGCGCTGTGGACTGCAATGGTGTGGT-3'
Protein context (NP_001035232.1, residues 624-644): NVSQASRASR[Val634Ala]LPILPMNGKM

ClinVar aggregate classification (germline): Uncertain significance. Review status: criteria provided, multiple submitters, no conflicts (2 of 4 stars). 4 submissions from 4 submitters: Uncertain significance (4). Last evaluated 2025-12-21.

Conditions:
Seizures, benign familial infantile, 3 (BFIS3). Also called: CONVULSIONS, BENIGN FAMILIAL INFANTILE, 3; Familial neonatal seizures. Identifiers: Orphanet 140927, Orphanet 306, MedGen C1843140, MONDO:0011904, OMIM 607745.
Developmental and epileptic encephalopathy, 11 (DEE11). Also called: Early infantile epileptic encephalopathy 11. Identifiers: Orphanet 1934, MedGen C3150987, MONDO:0013388, OMIM 613721.

Allele frequency attached by ClinVar (database versions not stated): gnomAD exomes 0.00001 and 0.00002; TOPMed below 0.00001; ExAC 0.00001.

Submissions (4):

Labcorp Genetics (formerly Invitae), Labcorp
Classification: Uncertain significance for Seizures, benign familial infantile, 3; Developmental and epileptic encephalopathy, 11. Last evaluated: 2025-12-21. Review status: criteria provided, single submitter. Criteria: Invitae Variant Classification Sherloc (09022015). Collection method: clinical testing. Allele origin: germline.
Comment: This sequence change replaces valine, which is neutral and non-polar, with alanine, which is neutral and non-polar, at codon 634 of the SCN2A protein (p.Val634Ala). This variant is present in population databases (rs756119996, gnomAD 0.002%). This variant has not been reported in the literature in individuals affected with SCN2A-related conditions. ClinVar contains an entry for this variant (Variation ID: 207066). Invitae Evidence Modeling of protein sequence and biophysical properties (such as structural, functional, and spatial information, amino acid conservation, physicochemical variation, residue mobility, and thermodynamic stability) indicates that this missense variant is not expected to disrupt SCN2A protein function with a negative predictive value of 95%. In summary, the available evidence is currently insufficient to determine the role of this variant in disease. Therefore, it has been classified as a Variant of Uncertain Significance.

Dasa
Classification: Uncertain significance. Last evaluated: 2024-10-01. Review status: criteria provided, single submitter. Criteria: DASA Assertion Criteria. Collection method: clinical testing. Allele origin: germline.
Comment: NM_001040142.2(SCN2A):c.1901T>C (p.Val634Ala) is a missense variant that results in the substitution of valine with alanine. This variant is rare in population databases. Computational prediction algorithms are consistent with a benign effect. The currently available literature and clinical evidence are not sufficient to establish a definitive association between this variant and the reported condition. Therefore, this variant is classified as a variant of uncertain significance.

Fulgent Genetics
Classification: Uncertain significance for Seizures, benign familial infantile, 3; Developmental and epileptic encephalopathy, 11. Last evaluated: 2018-10-31. Review status: criteria provided, single submitter. Criteria: ACMG Guidelines, 2015. Collection method: clinical testing. Allele origin: unknown.

GeneDx
Classification: Uncertain significance. Last evaluated: 2014-02-21. Review status: criteria provided, single submitter. Criteria: GeneDx Variant Classification (06012015). Collection method: clinical testing. Allele origin: germline. Affected: yes.
Comment: p.Val634Ala (V634A) GTG>GCG: c.1901 T>C in exon 12 of the SCN2A gene (NM_021007.2). The V634A variant in the SCN2A gene has not been published as a mutation, nor has it been reported as a benign polymorphism to our knowledge. It was not observed in approximately 6,500 individuals of European and African American ancestry in the NHLBI Exome Sequencing Project, indicating it is not a common benign variant in these populations. Missense mutations in this region of the protein (R575V and D649N) have been reported in an external mutation database in association with infantile seizures and Dravet syndrome, supporting the functional importance of this region of the protein. However, the V634A variant is a conservative amino acid substitution, which is not likely to impact secondary protein structure as these residues share similar properties. This substitution alters a position occurs in the loop between the first and second homologous domains at a position that is not conserved across species, and in silico analysis predicts this variant likely does not alter the protein structure/function. The variant is found in EPILEPSY panel(s).